The following is an entry in ClinVar:

ClinVar aggregate classification (germline): Benign. Review status: criteria provided, multiple submitters, no conflicts (2 of 4 stars). 3 submissions from 3 submitters: Benign (3). Last evaluated 2024-07-15.

Allele frequency attached by ClinVar (database versions not stated): 1000 Genomes Project 0.20807; 1000 Genomes Project 30x 0.21112; gnomAD exomes 0.21232 and 0.22944; gnomAD 0.23033 and 0.23410; ExAC 0.23242; ESP Exome Variant Server 0.23795; TOPMed 0.23819.
gnomAD v4.1: 362,545 of 1,578,712 alleles (23%); highest among the groups gnomAD compares: Middle Eastern, 33%; 43,284 homozygotes.

Submissions (3):

Unidad de Genómica Garrahan, Hospital de Pediatría Garrahan
Classification: Benign. Last evaluated: 2024-07-15. Review status: criteria provided, single submitter. Criteria: ACMG Guidelines, 2015. Collection method: clinical testing. Allele origin: germline. Affected: no. Observed: 46 variant alleles.
Comment: This variant is classified as Benign based on local population frequency. This variant was detected in 49% of patients studied in a panel designed for Epileptic and Developmental Encephalopathy and Progressive Myoclonus Epilepsy. Number of patients: 46. Only high quality variants are reported.

GeneDx
Classification: Benign. Last evaluated: 2018-06-14. Review status: criteria provided, single submitter. Criteria: GeneDx Variant Classification (06012015). Collection method: clinical testing. Allele origin: germline. Affected: yes.
Comment: This variant is considered likely benign or benign based on one or more of the following criteria: it is a conservative change, it occurs at a poorly conserved position in the protein, it is predicted to be benign by multiple in silico algorithms, and/or has population frequency not consistent with disease.

Breakthrough Genomics
Classification: Benign. Review status: criteria provided, single submitter. Criteria: ACMG Guidelines, 2015. Collection method: not provided. Allele origin: germline. Inheritance: Autosomal dominant inheritance. Affected: yes.

NM_020822.3(KCNT1):c.1036-39A>G

Gene: KCNT1 (potassium sodium-activated channel subfamily T member 1; plus strand). Cytogenetic location: 9q34.3.
Variant type: single nucleotide variant.
Coding change: c.1036-39A>G on transcript NM_020822.3 (MANE Select); 39 bases into the intron before coding-DNA position 1036, A replaced by G.
Molecular consequence: intron variant.
Genome position (GRCh38, 1-based): chr9:135,764,992, A>G. VCF-style: chr9-135764992-A-G. GRCh37 (hg19) VCF-style: chr9-138656838-A-G.
Other names: c.901-39A>G (NM_001272003.2).
Identifiers: ClinVar variation 682103 (VCV000682103.4), dbSNP rs41298365, ClinGen allele CA5326747.